The following is an entry in ClinVar:

ClinVar aggregate classification (germline): Uncertain significance (1 of 4 stars; one submission).

Allele frequency attached by ClinVar (database versions not stated): gnomAD 0.00001; gnomAD exomes 0.00001; TOPMed 0.00001.

Submission:

Labcorp Genetics (formerly Invitae), Labcorp
Classification: Uncertain significance. Last evaluated: 2025-12-02. Review status: criteria provided, single submitter. Criteria: Invitae Variant Classification Sherloc (09022015). Collection method: clinical testing. Allele origin: germline.
Comment: This sequence change replaces arginine, which is basic and polar, with lysine, which is basic and polar, at codon 330 of the LEMD3 protein (p.Arg330Lys). This variant is present in population databases (no rsID available, gnomAD 0.007%). This variant has not been reported in the literature in individuals affected with LEMD3-related conditions. ClinVar contains an entry for this variant (Variation ID: 1915916). Invitae Evidence Modeling of protein sequence and biophysical properties (such as structural, functional, and spatial information, amino acid conservation, physicochemical variation, residue mobility, and thermodynamic stability) indicates that this missense variant is not expected to disrupt LEMD3 protein function with a negative predictive value of 80%. In summary, the available evidence is currently insufficient to determine the role of this variant in disease. Therefore, it has been classified as a Variant of Uncertain Significance.

NM_014319.5(LEMD3):c.989G>A (p.Arg330Lys)

Gene: LEMD3 (LEM domain containing 3; plus strand). Cytogenetic location: 12q14.3.
Variant type: single nucleotide variant.
Coding change: c.989G>A on transcript NM_014319.5 (MANE Select); coding-DNA position 989, G replaced by A.
Protein change: p.Arg330Lys; replaces arginine 330 with lysine.
Molecular consequence: missense variant.
Genome position (GRCh38, 1-based): chr12:65,170,585, G>A. VCF-style: chr12-65170585-G-A. GRCh37 (hg19) VCF-style: chr12-65564365-G-A.
Other names: c.989G>A, p.Arg330Lys (NM_001167614.2); short protein forms R330K.
Identifiers: ClinVar variation 1915916 (VCV001915916.5), dbSNP rs1454741086, ClinGen allele CA385674603.